The following is an entry in ClinVar:

ClinVar aggregate classification (germline): Uncertain significance. Review status: criteria provided, multiple submitters, no conflicts (2 of 4 stars). 3 submissions from 3 submitters: Uncertain significance (3). Last evaluated 2025-12-10.

Conditions:
Hereditary cancer-predisposing syndrome. Also called: Neoplastic Syndromes, Hereditary; Hereditary Cancer Syndrome; Hereditary neoplastic syndrome; Tumor predisposition. Identifiers: Orphanet 140162, MedGen C0027672, MeSH D009386, MONDO:0015356.

Allele frequency attached by ClinVar (database versions not stated): gnomAD exomes below 0.00001.
gnomAD v4.1: 2 of 1,614,138 alleles (0.00012%); highest among the groups gnomAD compares: Non-Finnish European, 0.00017%; no homozygotes.

Submissions (3):

Ambry Genetics
Classification: Uncertain significance for Hereditary cancer-predisposing syndrome. Last evaluated: 2025-12-10. Review status: criteria provided, single submitter. Criteria: Ambry Variant Classification Scheme 2023. Collection method: clinical testing. Allele origin: germline.
Comment: The p.H543P variant (also known as c.1628A>C), located in coding exon 15 of the POLE gene, results from an A to C substitution at nucleotide position 1628. The histidine at codon 543 is replaced by proline, an amino acid with similar properties. This amino acid position is conserved. In addition, this alteration is predicted to be deleterious by in silico analysis. Since supporting evidence is limited at this time, the clinical significance of this alteration remains unclear.

Labcorp Genetics (formerly Invitae), Labcorp
Classification: Uncertain significance. Last evaluated: 2025-03-26. Review status: criteria provided, single submitter. Criteria: Invitae Variant Classification Sherloc (09022015). Collection method: clinical testing. Allele origin: germline.
Comment: This sequence change replaces histidine, which is basic and polar, with proline, which is neutral and non-polar, at codon 543 of the POLE protein (p.His543Pro). This variant is not present in population databases (gnomAD no frequency). This variant has not been reported in the literature in individuals affected with POLE-related conditions. ClinVar contains an entry for this variant (Variation ID: 540752). Invitae Evidence Modeling of protein sequence and biophysical properties (such as structural, functional, and spatial information, amino acid conservation, physicochemical variation, residue mobility, and thermodynamic stability) indicates that this missense variant is expected to disrupt POLE protein function with a positive predictive value of 80%. In summary, the available evidence is currently insufficient to determine the role of this variant in disease. Therefore, it has been classified as a Variant of Uncertain Significance.

GeneDx
Classification: Uncertain significance. Last evaluated: 2023-05-11. Review status: criteria provided, single submitter. Criteria: GeneDx Variant Classification Process June 2021. Collection method: clinical testing. Allele origin: germline. Affected: yes.
Comment: Not observed at significant frequency in large population cohorts (gnomAD); In silico analysis supports that this missense variant has a deleterious effect on protein structure/function; Has not been previously published as pathogenic or benign to our knowledge

NM_006231.4(POLE):c.1628A>C (p.His543Pro)

Gene: POLE (DNA polymerase epsilon, catalytic subunit; minus strand). Cytogenetic location: 12q24.33.
Variant type: single nucleotide variant.
Coding change: c.1628A>C on transcript NM_006231.4 (MANE Select); coding-DNA position 1628, A replaced by C.
Protein change: p.His543Pro; replaces histidine 543 with proline.
Molecular consequence: missense variant.
Genome position (GRCh38, 1-based): chr12:132,672,685, T>G on the plus strand (A>C on the coding strand, the complement: POLE is on the minus strand). VCF-style: chr12-132672685-T-G. GRCh37 (hg19) VCF-style: chr12-133249271-T-G.
Other names: c.1628A>C (NM_006231.2); short protein forms H543P.
Identifiers: ClinVar variation 540752 (VCV000540752.12), dbSNP rs1555228282, ClinGen allele CA387356693.